The following is an entry in ClinVar:

NM_002150.3(HPD):c.368_369dup (p.Glu124Ter)

Genes: HPD (4-hydroxyphenylpyruvate dioxygenase; minus strand), TIALD (transcript inducer of AURKA lysosomal degradation; plus strand). Cytogenetic location: 12q24.31.
Variant type: Duplication.
Coding change: c.368_369dup on transcript NM_002150.3 (MANE Select); coding-DNA positions 368 to 369, 2 bases duplicated (TA; older notation c.368_369dupTA).
Protein change: p.Glu124Ter; replaces glutamic acid 124 with a stop codon.
Molecular consequence: nonsense.
Genome position (GRCh38, 1-based): chr12:121,854,748-121,854,749, TA duplicated on the plus strand (TA on the coding strand, the reverse complement: HPD is on the minus strand). VCF-style (leftmost placement, unchanged base first): chr12-121854747-C-CTA. GRCh37 (hg19) VCF-style: chr12-122292653-C-CTA.
Other names: c.251_252dup, p.Glu85Ter (NM_001171993.2); short protein forms E124*, E85*.
Identifiers: ClinVar variation 4850203 (VCV004850203.1).

ClinVar aggregate classification (germline): Likely pathogenic (1 of 4 stars; one submission).

Conditions:
Tyrosinemia type III. Also called: Tyrosinemia type 3; 4-alpha hydroxyphenylpyruvic acid oxidase deficiency; 4-alpha hydroxyphenylpyruvate dioxygenase deficiency; 4-Hydroxyphenylpyruvate dioxygenase deficiency; 4-HYDROXYPHENYLPYRUVIC ACID OXIDASE DEFICIENCY. Identifiers: Orphanet 69723, MedGen C0268623, MONDO:0010162, OMIM 276710.

Submission:

Variantyx, Inc.
Classification: Likely pathogenic for Tyrosinemia type III. Last evaluated: 2025-03-13. Review status: criteria provided, single submitter. Criteria: Variantyx Assertion Criteria 2022. Collection method: clinical testing. Allele origin: germline. Inheritance: Autosomal recessive inheritance. Affected: no.
Comment: This is a frameshift variant in the HPD gene (OMIM: 609695). Pathogenic variants in this gene have been associated with autosomal recessive tyrosinemia type III. This variant introduces a premature termination codon in exon 7 out of 14 and is expected to result in loss of function, which is a known disease mechanism for HPD in this disorder (PMID: 10942115, 23036342) (PVS1). It has not been reported in individuals with HPD-related disorders in the databases available for review, while it is absent from control populations (PM2). Based on the current evidence, this variant is classified as likely pathogenic for autosomal recessive tyrosinemia type III.

Literature cited by the submitters: PubMed 10942115; PubMed 23036342.